The following is an entry in ClinVar:

NM_138477.4(CDAN1):c.3088G>A (p.Glu1030Lys)

Gene: CDAN1 (codanin 1; minus strand). Cytogenetic location: 15q15.2.
Variant type: single nucleotide variant.
Coding change: c.3088G>A on transcript NM_138477.4 (MANE Select); coding-DNA position 3088, G replaced by A.
Protein change: p.Glu1030Lys; replaces glutamic acid 1030 with lysine.
Molecular consequence: missense variant.
Genome position (GRCh38, 1-based): chr15:42,727,629, C>T on the plus strand (G>A on the coding strand, the complement: CDAN1 is on the minus strand). VCF-style: chr15-42727629-C-T. GRCh37 (hg19) VCF-style: chr15-43019827-C-T.
Other names: short protein forms E1030K.
Identifiers: ClinVar variation 1907152 (VCV001907152.3), dbSNP rs562819613, ClinGen allele CA7515310.

ClinVar aggregate classification (germline): Uncertain significance (1 of 4 stars; one submission).

gnomAD v4.1: 48 of 1,572,300 alleles (0.0031%); highest among the groups gnomAD compares: Admixed American, 0.022%; no homozygotes.

Submission:

Labcorp Genetics (formerly Invitae), Labcorp
Classification: Uncertain significance. Last evaluated: 2022-04-07. Review status: criteria provided, single submitter. Criteria: Invitae Variant Classification Sherloc (09022015). Collection method: clinical testing. Allele origin: germline.
Comment: This sequence change replaces glutamic acid, which is acidic and polar, with lysine, which is basic and polar, at codon 1030 of the CDAN1 protein (p.Glu1030Lys). This variant is present in population databases (rs562819613, gnomAD 0.02%). This variant has not been reported in the literature in individuals affected with CDAN1-related conditions. Algorithms developed to predict the effect of missense changes on protein structure and function are either unavailable or do not agree on the potential impact of this missense change (SIFT: "Tolerated"; PolyPhen-2: "Probably Damaging"; Align-GVGD: "Class C0"). In summary, the available evidence is currently insufficient to determine the role of this variant in disease. Therefore, it has been classified as a Variant of Uncertain Significance.